The following is an entry in ClinVar:

NM_177438.3(DICER1):c.4241A>C (p.Asp1414Ala)

Gene: DICER1 (dicer 1, ribonuclease III; minus strand). Cytogenetic location: 14q32.13.
Variant type: single nucleotide variant.
Coding change: c.4241A>C on transcript NM_177438.3 (MANE Select); coding-DNA position 4241, A replaced by C.
Protein change: p.Asp1414Ala; replaces aspartic acid 1414 with alanine.
Molecular consequence: missense variant. On other transcripts: non-coding transcript variant (6).
Genome position (GRCh38, 1-based): chr14:95,096,679, T>G on the plus strand (A>C on the coding strand, the complement: DICER1 is on the minus strand). VCF-style: chr14-95096679-T-G. GRCh37 (hg19) VCF-style: chr14-95563016-T-G.
Other names: c.4241A>C, p.Asp1414Ala (NM_001395683.1, NM_001395684.1, NM_001395692.1 and 12 more transcripts); c.3959A>C, p.Asp1320Ala (NM_001395686.1); c.3836A>C, p.Asp1279Ala (NM_001395687.1, NM_001395688.1, NM_001395689.1 and 2 more transcripts); c.3674A>C, p.Asp1225Ala (NM_001395691.1); c.2558A>C, p.Asp853Ala (NM_001395697.1); short protein forms D1225A, D1279A, D853A, D1320A, D1414A.
Identifiers: ClinVar variation 3650032 (VCV003650032.2).
Genomic context (GRCh38, chr14:95,096,679, plus strand): 5'-TCCTTCGGAGCCCTCCACATCAGGCTCTCCTCCTCCTCATCCTCCTCCTCGTAATCCTCA[T>G]CCAGTTTGCCATTCGCCAGCATGCAGTCTTTTGTCTGAAACGAGGGGGAATGGGGAAGGA-3'
Protein context (NP_803187.1, residues 1404-1424): KDCMLANGKL[Asp1414Ala]EDYEEEDEEE

ClinVar aggregate classification (germline): Uncertain significance (1 of 4 stars; one submission).

Conditions:
DICER1-related tumor predisposition. Also called: DICER1 syndrome; DICER1-related pleuropulmonary blastoma cancer predisposition syndrome. Identifiers: Orphanet 284343, MedGen C3839822, MONDO:0100216.

Submission:

Labcorp Genetics (formerly Invitae), Labcorp
Classification: Uncertain significance for DICER1-related tumor predisposition. Last evaluated: 2024-04-15. Review status: criteria provided, single submitter. Criteria: Invitae Variant Classification Sherloc (09022015). Collection method: clinical testing. Allele origin: germline.
Comment: This sequence change replaces aspartic acid, which is acidic and polar, with alanine, which is neutral and non-polar, at codon 1414 of the DICER1 protein (p.Asp1414Ala). This variant is not present in population databases (gnomAD no frequency). This variant has not been reported in the literature in individuals affected with DICER1-related conditions. Advanced modeling of protein sequence and biophysical properties (such as structural, functional, and spatial information, amino acid conservation, physicochemical variation, residue mobility, and thermodynamic stability) performed at Invitae indicates that this missense variant is not expected to disrupt DICER1 protein function with a negative predictive value of 80%. In summary, the available evidence is currently insufficient to determine the role of this variant in disease. Therefore, it has been classified as a Variant of Uncertain Significance.